The following is an entry in ClinVar:

ClinVar aggregate classification (germline): Uncertain significance. Review status: criteria provided, multiple submitters, no conflicts (2 of 4 stars). 2 submissions from 2 submitters: Uncertain significance (2). Last evaluated 2024-10-11.

Conditions:
Inborn genetic diseases. Identifiers: MedGen C0950123, MeSH D030342.
Charcot-Marie-Tooth disease type 2. Also called: Charcot-Marie-Tooth type 2. Identifiers: Orphanet 64746, MedGen C0270914, MONDO:0018993.

Allele frequency attached by ClinVar (database versions not stated): gnomAD 0.00001; ESP Exome Variant Server 0.00008; TOPMed below 0.00001; ExAC 0.00001; gnomAD exomes 0.00001 and 0.00002.
gnomAD v4.1: 28 of 1,613,100 alleles (0.0017%); highest among the groups gnomAD compares: African/African-American, 0.004%; no homozygotes.

Submissions (2):

Ambry Genetics
Classification: Uncertain significance for Inborn genetic diseases. Last evaluated: 2024-10-11. Review status: criteria provided, single submitter. Criteria: Ambry Variant Classification Scheme 2023. Collection method: clinical testing. Allele origin: germline.

Labcorp Genetics (formerly Invitae), Labcorp
Classification: Uncertain significance for Charcot-Marie-Tooth disease type 2. Last evaluated: 2022-04-08. Review status: criteria provided, single submitter. Criteria: Invitae Variant Classification Sherloc (09022015). Collection method: clinical testing. Allele origin: germline.
Comment: This sequence change replaces proline, which is neutral and non-polar, with leucine, which is neutral and non-polar, at codon 206 of the MED25 protein (p.Pro206Leu). This variant is present in population databases (rs368059409, gnomAD 0.008%). This variant has not been reported in the literature in individuals affected with MED25-related conditions. ClinVar contains an entry for this variant (Variation ID: 653247). Algorithms developed to predict the effect of missense changes on protein structure and function are either unavailable or do not agree on the potential impact of this missense change (SIFT: "Deleterious"; PolyPhen-2: "Benign"; Align-GVGD: "Class C0"). In summary, the available evidence is currently insufficient to determine the role of this variant in disease. Therefore, it has been classified as a Variant of Uncertain Significance.

NM_030973.4(MED25):c.617C>T (p.Pro206Leu)

Gene: MED25 (mediator complex subunit 25; plus strand). Cytogenetic location: 19q13.33.
Variant type: single nucleotide variant.
Coding change: c.617C>T on transcript NM_030973.4 (MANE Select); coding-DNA position 617, C replaced by T.
Protein change: p.Pro206Leu; replaces proline 206 with leucine.
Molecular consequence: missense variant.
Genome position (GRCh38, 1-based): chr19:49,829,877, C>T. VCF-style: chr19-49829877-C-T. GRCh37 (hg19) VCF-style: chr19-50333134-C-T.
Other names: c.617C>T, p.Pro206Leu (NM_001378355.1); short protein forms P206L.
Identifiers: ClinVar variation 653247 (VCV000653247.7), dbSNP rs368059409, ClinGen allele CA9584934.